The following is an entry in ClinVar:

NM_003673.4(TCAP):c.458G>A (p.Arg153His)

Gene: TCAP (titin-cap; plus strand). Cytogenetic location: 17q12.
Variant type: single nucleotide variant.
Coding change: c.458G>A on transcript NM_003673.4 (MANE Select); coding-DNA position 458, G replaced by A.
Protein change: p.Arg153His; replaces arginine 153 with histidine.
Molecular consequence: missense variant.
Genome position (GRCh38, 1-based): chr17:39,666,063, G>A. VCF-style: chr17-39666063-G-A. GRCh37 (hg19) VCF-style: chr17-37822316-G-A.
Other names: p.R153H:CGT>CAT; short protein forms R153H.
Identifiers: ClinVar variation 44710 (VCV000044710.23), dbSNP rs149585781, ClinGen allele CA134926.

ClinVar aggregate classification (germline): Conflicting classifications of pathogenicity. Review status: criteria provided, conflicting classifications (1 of 4 stars). 8 submissions from 8 submitters: Uncertain significance (4); Likely benign (3). 1 of the submissions does not count toward it. Last evaluated 2026-01-28.

Conditions:
Hypertrophic cardiomyopathy 25 (CMH25). Also called: CARDIOMYOPATHY, FAMILIAL HYPERTROPHIC, 25. Identifiers: MedGen C4225408, MONDO:0011843, OMIM 607487.
Primary familial hypertrophic cardiomyopathy (HCM). Identifiers: Orphanet 99739, MedGen C0949658, MeSH D024741, MONDO:0024573. Inheritance: Various modes of inheritance.
Autosomal recessive limb-girdle muscular dystrophy type 2G (LGMDR7). Also called: Telethoninopathy; MUSCULAR DYSTROPHY, LIMB-GIRDLE, AUTOSOMAL RECESSIVE 7; Limb-girdle muscular dystrophy, type 2G. Identifiers: Orphanet 34514, MedGen C1866008, MONDO:0011170, OMIM 601954.
Cardiovascular phenotype. Identifiers: MedGen CN230736.

Allele frequency attached by ClinVar (database versions not stated): TOPMed 0.00005; ESP Exome Variant Server 0.00015; ExAC 0.00017; gnomAD 0.00021; gnomAD exomes 0.00021.
gnomAD v4.1: 325 of 1,603,976 alleles (0.02%); highest among the groups gnomAD compares: East Asian, 0.11%; no homozygotes.

Submissions (8):

Labcorp Genetics (formerly Invitae), Labcorp
Classification: Likely benign for Hypertrophic cardiomyopathy 25; Primary familial hypertrophic cardiomyopathy. Last evaluated: 2026-01-28. Review status: criteria provided, single submitter. Criteria: Invitae Variant Classification Sherloc (09022015). Collection method: clinical testing. Allele origin: germline.

GeneDx
Classification: Uncertain significance. Last evaluated: 2025-03-11. Review status: criteria provided, single submitter. Criteria: GeneDx Variant Classification Process June 2021. Collection method: clinical testing. Allele origin: germline. Affected: yes.
Comment: Reported in association with cardiomyopathy, Brugada syndrome, and ECG abnormalities (PMID: 26084686, 15582318, 30384889, 32588437); In silico analysis indicates that this missense variant does not alter protein structure/function; This variant is associated with the following publications: (PMID: 26084686, 23299917, 24280220, 16352453, 15582318, 25954889, 21416260, 18056765, 30384889, 32588437, 32906206, 28518168)

Blueprint Genetics
Classification: Likely benign. Last evaluated: 2024-08-08. Review status: criteria provided, single submitter. Criteria: ACMG Guidelines, 2015. Collection method: clinical testing. Allele origin: germline.

Fulgent Genetics
Classification: Uncertain significance for Autosomal recessive limb-girdle muscular dystrophy type 2G; Hypertrophic cardiomyopathy 25. Last evaluated: 2018-10-31. Review status: criteria provided, single submitter. Criteria: ACMG Guidelines, 2015. Collection method: clinical testing. Allele origin: unknown.

Ambry Genetics
Classification: Likely benign for Cardiovascular phenotype. Last evaluated: 2018-07-17. Review status: criteria provided, single submitter. Criteria: Ambry Variant Classification Scheme 2023. Collection method: clinical testing. Allele origin: germline.

Stanford Center for Inherited Cardiovascular Disease, Stanford University
Classification: Uncertain significance. Last evaluated: 2015-10-07. Review status: criteria provided, single submitter. Criteria: ACMG Guidelines, 2015. Collection method: provider interpretation. Allele origin: germline.

Laboratory for Molecular Medicine, Mass General Brigham Personalized Medicine
Classification: Uncertain significance. Last evaluated: 2014-01-14. Review status: criteria provided, single submitter. Criteria: LMM Criteria. Collection method: clinical testing. Allele origin: germline. Observed: 2 variant alleles.
Comment: The variant was detected in 2/8592 Europea n American chromosomes by the NHLBI Exome Sequencing Project (dbSNP rs149585781). Functional studies in yeast have shown that the Arg153His variant leads to an increase in the ability of TCAP to bind with titin and CS-1 (Hayashi 2004). However, this in vitro assay may not accurately r epresent biological function. However, arginine (Arg) at position 153 is not con served in evolution and 7 mammals carry the variant amino acid (gorilla, horse, white rhinoceros, shrew, elephant, manatee, wallaby, and platypus), suggesting t hat this change may be tolerated. Additional computational analyses (biochemical amino acid properties, AlignGVGD, PolyPhen2, and SIFT) suggest that the Arg153H is variant may not impact the protein, though this information is not predictive enough to rule out pathogenicity. In summary, the available information is conf licting and additional information is needed to fully assess the clinical signif icance of the Arg153His variant.

OMIM
Classification: Pathogenic for CARDIOMYOPATHY, FAMILIAL HYPERTROPHIC, 25. Last evaluated: 2004-12-07. Review status: no assertion criteria provided. Collection method: literature only. Allele origin: germline. Not counted in ClinVar's aggregate classification.

Literature cited by the submitters: PubMed 15582318 (cited by 3 submitters); PubMed 23299917 (cited by Ambry Genetics); PubMed 26084686 (cited by Ambry Genetics); PubMed 28518168 (cited by Ambry Genetics).